The following is an entry in ClinVar:

ClinVar aggregate classification (germline): Uncertain significance (1 of 4 stars; one submission).

Conditions:
Hereditary cancer-predisposing syndrome. Also called: Neoplastic Syndromes, Hereditary; Tumor predisposition; Hereditary Cancer Syndrome; Hereditary neoplastic syndrome. Identifiers: Orphanet 140162, MedGen C0027672, MeSH D009386, MONDO:0015356.

Submission:

Ambry Genetics
Classification: Uncertain significance for Hereditary cancer-predisposing syndrome. Last evaluated: 2021-03-09. Review status: criteria provided, single submitter. Criteria: Ambry Variant Classification Scheme 2023. Collection method: clinical testing. Allele origin: germline.
Comment: The p.Y223D variant (also known as c.667T>G), located in coding exon 3 of the XRCC2 gene, results from a T to G substitution at nucleotide position 667. The tyrosine at codon 223 is replaced by aspartic acid, an amino acid with highly dissimilar properties. This amino acid position is well conserved in available vertebrate species. In addition, the in silico prediction for this alteration is inconclusive. Since supporting evidence is limited at this time, the clinical significance of this alteration remains unclear.

NM_005431.2(XRCC2):c.667T>G (p.Tyr223Asp)

Gene: XRCC2 (X-ray repair cross complementing 2; minus strand). Cytogenetic location: 7q36.1.
Variant type: single nucleotide variant.
Coding change: c.667T>G on transcript NM_005431.2 (MANE Select); coding-DNA position 667, T replaced by G.
Protein change: p.Tyr223Asp; replaces tyrosine 223 with aspartic acid.
Molecular consequence: missense variant.
Genome position (GRCh38, 1-based): chr7:152,648,818, A>C on the plus strand (T>G on the coding strand, the complement: XRCC2 is on the minus strand). VCF-style: chr7-152648818-A-C. GRCh37 (hg19) VCF-style: chr7-152345903-A-C.
Other names: short protein forms Y223D.
Identifiers: ClinVar variation 1754855 (VCV001754855.2), dbSNP rs587780130, ClinGen allele CA370198213.